The following is an entry in ClinVar:

NM_000744.7(CHRNA4):c.384-172_384-171insCGTGGGGCGTGGGCGTGGC

Gene: CHRNA4 (cholinergic receptor nicotinic alpha 4 subunit; minus strand). Cytogenetic location: 20q13.33.
Variant type: Insertion.
Coding change: c.384-172_384-171insCGTGGGGCGTGGGCGTGGC on transcript NM_000744.7 (MANE Select); 172 bases into the intron before coding-DNA position 384 through 171 bases into the intron before coding-DNA position 384, CGTGGGGCGTGGGCGTGGC inserted.
Molecular consequence: intron variant.
Genome position: GRCh38 VCF-style: chr20-63351198-A-AGCCACGCCCACGCCCCACG. GRCh37 (hg19) VCF-style: chr20-61982550-A-AGCCACGCCCACGCCCCACG.
Other names: c.-145-172_-145-171insCGTGGGGCGTGGGCGTGGC (NM_001256573.2).
Identifiers: ClinVar variation 680279 (VCV000680279.1), dbSNP rs1555838260, ClinGen allele CA636613745.

ClinVar aggregate classification (germline): Benign (1 of 4 stars; one submission).

Submission:

GeneDx
Classification: Benign. Last evaluated: 2018-06-19. Review status: criteria provided, single submitter. Criteria: GeneDx Variant Classification (06012015). Collection method: clinical testing. Allele origin: germline. Affected: yes.
Comment: This variant is considered likely benign or benign based on one or more of the following criteria: it is a conservative change, it occurs at a poorly conserved position in the protein, it is predicted to be benign by multiple in silico algorithms, and/or has population frequency not consistent with disease.